The following is an entry in ClinVar:

ClinVar aggregate classification (germline): Pathogenic (1 of 4 stars; one submission).

Submission:

Labcorp Genetics (formerly Invitae), Labcorp
Classification: Pathogenic. Last evaluated: 2019-12-12. Review status: criteria provided, single submitter. Criteria: Invitae Variant Classification Sherloc (09022015). Collection method: clinical testing. Allele origin: germline.
Comment: For these reasons, this variant has been classified as Pathogenic. Loss-of-function variants in KIF11 are known to be pathogenic (PMID: 24281367). This variant has not been reported in the literature in individuals with KIF11-related disease. This variant is an out-of-frame deletion of the genomic region encompassing exons 5-6 of the KIF11 gene. This is expected to create a premature translational stop signal and result in an absent or disrupted protein product.

Literature cited by the submitters: PubMed 24281367.

NC_000010.11:g.(?_92609020)_(92609509_?)del

Gene: KIF11 (kinesin family member 11; plus strand). Cytogenetic location: 10q23.33.
Variant type: Deletion.
Identifiers: ClinVar variation 659601 (VCV000659601.6).